The following is an entry in ClinVar:

NM_020821.3(VPS13C):c.5462T>A (p.Leu1821Ter)

Gene: VPS13C (vacuolar protein sorting 13 homolog C; minus strand). Cytogenetic location: 15q22.2.
Variant type: single nucleotide variant.
Coding change: c.5462T>A on transcript NM_020821.3 (MANE Select); coding-DNA position 5462, T replaced by A.
Protein change: p.Leu1821Ter; replaces leucine 1821 with a stop codon.
Molecular consequence: nonsense.
Genome position (GRCh38, 1-based): chr15:61,940,786, A>T on the plus strand (T>A on the coding strand, the complement: VPS13C is on the minus strand). VCF-style: chr15-61940786-A-T. GRCh37 (hg19) VCF-style: chr15-62232985-A-T.
Other names: c.5462T>A, p.Leu1821Ter (NM_001018088.3); c.5333T>A, p.Leu1778Ter (NM_017684.5, NM_018080.4); short protein forms L1778*, L1821*.
Identifiers: ClinVar variation 3075763 (VCV003075763.1), dbSNP rs372559831, ClinGen allele CA271909848.

ClinVar aggregate classification (germline): Likely pathogenic (1 of 4 stars; one submission).

Conditions:
Young-onset Parkinson disease. Identifiers: Orphanet 2828, MedGen C4275179, MONDO:0017279.

Allele frequency attached by ClinVar (database versions not stated): gnomAD exomes below 0.00001; TOPMed below 0.00001; gnomAD 0.00001; ESP Exome Variant Server 0.00008.
gnomAD v4.1: 3 of 1,609,492 alleles (0.00019%); highest among the groups gnomAD compares: Non-Finnish European, 0.00025%; no homozygotes.

Submission:

Laboratory for Molecular Medicine, Mass General Brigham Personalized Medicine
Classification: Likely pathogenic for Young-onset Parkinson disease. Last evaluated: 2019-03-07. Review status: criteria provided, single submitter. Criteria: ACMG Guidelines, 2015. Collection method: clinical testing. Allele origin: germline. Inheritance: Autosomal recessive inheritance.
Comment: The p.Leu1821X variant VPS13C has not been previously reported in individuals with Parkinson disease but has been identified in 1/128114 European chromosomes by gnomAD. This nonsense variant leads to a premature termination codon at position 1821, which is predicted to lead to a truncated or absent protein. Loss of function of the VPS13C gene has been recently associated with autosomal recessive early onset parkinsonism (Schormair 2018; Lesage 2016; Darvish 2018). In summary, although additional studies are required to fully establish its clinical significance, this variant meets criteria to be classified as likely pathogenic for autosomal recessive early onset parkinsonism. ACMG/AMP Criteria applied: PM2, PVS1_Strong.